The following is an entry in ClinVar:

NM_001288705.3(CSF1R):c.1700C>T (p.Thr567Met)

Gene: CSF1R (colony stimulating factor 1 receptor; minus strand). Cytogenetic location: 5q32.
Variant type: single nucleotide variant.
Coding change: c.1700C>T on transcript NM_001288705.3 (MANE Select); coding-DNA position 1700, C replaced by T.
Protein change: p.Thr567Met; replaces threonine 567 with methionine.
Molecular consequence: missense variant. On other transcripts: non-coding transcript variant (2).
Genome position (GRCh38, 1-based): chr5:150,061,776, G>A on the plus strand (C>T on the coding strand, the complement: CSF1R is on the minus strand). VCF-style: chr5-150061776-G-A. GRCh37 (hg19) VCF-style: chr5-149441339-G-A.
Other names: c.1700C>T, p.Thr567Met (NM_001349736.2, NM_001375320.1, NM_005211.4); c.1256C>T, p.Thr419Met (NM_001375321.1); short protein forms T419M, T567M.
Identifiers: ClinVar variation 1058342 (VCV001058342.13), dbSNP rs41529644, ClinGen allele CA3506736.

ClinVar aggregate classification (germline): Uncertain significance. Review status: criteria provided, multiple submitters, no conflicts (2 of 4 stars). 2 submissions from 2 submitters: Uncertain significance (2). Last evaluated 2026-02-01.

Allele frequency attached by ClinVar (database versions not stated): gnomAD exomes 0.00001 and 0.00004; gnomAD 0.00002 and 0.00003; TOPMed 0.00003; ExAC 0.00004.
gnomAD v4.1: 26 of 1,614,124 alleles (0.0016%); highest among the groups gnomAD compares: Middle Eastern, 0.033%; no homozygotes.

Submissions (2):

CeGaT Center for Human Genetics Tuebingen
Classification: Uncertain significance. Last evaluated: 2026-02-01. Review status: criteria provided, single submitter. Criteria: CeGaT Center For Human Genetics Tuebingen Variant Classification Criteria Version 2. Collection method: clinical testing. Allele origin: germline. Affected: yes. Observed: 1 variant allele.
Comment: CSF1R: PM2, PP3

Labcorp Genetics (formerly Invitae), Labcorp
Classification: Uncertain significance. Last evaluated: 2025-07-27. Review status: criteria provided, single submitter. Criteria: Invitae Variant Classification Sherloc (09022015). Collection method: clinical testing. Allele origin: germline.
Comment: This sequence change replaces threonine, which is neutral and polar, with methionine, which is neutral and non-polar, at codon 567 of the CSF1R protein (p.Thr567Met). This variant is present in population databases (rs41529644, gnomAD 0.01%). This missense change has been observed in individual(s) with CSF1R-related conditions (PMID: 35012964). ClinVar contains an entry for this variant (Variation ID: 1058342). Invitae Evidence Modeling of protein sequence and biophysical properties (such as structural, functional, and spatial information, amino acid conservation, physicochemical variation, residue mobility, and thermodynamic stability) has been performed for this missense variant. However, the output from this modeling did not meet the statistical confidence thresholds required to predict the impact of this variant on CSF1R protein function. In summary, the available evidence is currently insufficient to determine the role of this variant in disease. Therefore, it has been classified as a Variant of Uncertain Significance.

Literature cited by the submitters: PubMed 35012964 (cited by Labcorp Genetics (formerly Invitae), Labcorp).